The following is an entry in ClinVar:

NM_000521.4(HEXB):c.299G>T (p.Arg100Leu)

Gene: HEXB (hexosaminidase subunit beta; plus strand). Cytogenetic location: 5q13.3.
Variant type: single nucleotide variant.
Coding change: c.299G>T on transcript NM_000521.4 (MANE Select); coding-DNA position 299, G replaced by T.
Protein change: p.Arg100Leu; replaces arginine 100 with leucine.
Molecular consequence: missense variant. On other transcripts: intron variant (1).
Genome position (GRCh38, 1-based): chr5:74,685,559, G>T. VCF-style: chr5-74685559-G-T. GRCh37 (hg19) VCF-style: chr5-73981384-G-T.
Other names: c.-376-3769G>T (NM_001292004.2); short protein forms R100L.
Identifiers: ClinVar variation 3907219 (VCV003907219.1).
Genomic context (GRCh38, chr5:74,685,559, plus strand): 5'-GCCACAGCCCCAATTCCACGGCGGGCCCCTCCTGCACCCTGCTGGAGGAAGCGTTTCGAC[G>T]GTGAGCGCTCCCGGCCCGGCCGGGAGTTGTCCTGGGGGAGGGGAGAGGCGGACCACCCCG-3'
Protein context (NP_000512.2, residues 90-110): SCTLLEEAFR[Arg100Leu]YHGYIFGFYK

ClinVar aggregate classification (germline): Likely pathogenic (1 of 4 stars; one submission).

Conditions:
Sandhoff disease. Also called: GM2-GANGLIOSIDOSIS, TYPE II; HEXOSAMINIDASES A AND B DEFICIENCY; Beta-hexosaminidase-beta-subunit deficiency; GM2 gangliosidosis, type 2; Total hexosaminidase deficiency; Sandhoff-Jatzkewitz-Pilz disease. Identifiers: Orphanet 796, MedGen C0036161, MONDO:0010006, OMIM 268800.

gnomAD v4.1: 1 of 1,550,484 alleles (0.000064%); highest among the groups gnomAD compares: Non-Finnish European, 0.000087%; no homozygotes.

Submission:

Women's Health and Genetics/Laboratory Corporation of America, LabCorp
Classification: Likely pathogenic for Sandhoff disease. Last evaluated: 2025-06-11. Review status: criteria provided, single submitter. Criteria: LabCorp Variant Classification Summary - May 2015. Collection method: clinical testing. Allele origin: germline.
Comment: Variant summary: HEXB c.299G>T (p.Arg100Leu) results in a non-conservative amino acid change in the encoded protein sequence. Algorithms developed to predict the effect of missense changes on protein structure and function all suggest that this variant is likely to be disruptive. Several computational tools predict a significant impact on normal splicing: Two predict the variant abolishes a canonical 5' splicing donor site. Two predict the variant weakens a canonical 5' donor site. At least one publication reports experimental evidence that this variant affects mRNA splicing (Zampieri_2009). The frequency data for this variant in gnomAD is considered unreliable, as metrics indicate poor data quality at this position. c.299G>T has been observed in individual(s) affected with Sandhoff Disease (Zampieri_2009). The following publication has been ascertained in the context of this evaluation (PMID: 18758829). No submitters have cited clinical-significance assessments for this variant to ClinVar. Based on the evidence outlined above, the variant was classified as likely pathogenic.

Literature cited by the submitters: PubMed 18758829.